The following is an entry in ClinVar:

ClinVar aggregate classification (germline): Likely benign. Review status: criteria provided, multiple submitters, no conflicts (2 of 4 stars). 2 submissions from 2 submitters: Likely benign (2). Last evaluated 2024-04-16.

Conditions:
Progressive sclerosing poliodystrophy (MTDPS4A). Also called: Alpers-Huttenlocher Syndrome (AHS); Alpers Syndrome; ALPERS PROGRESSIVE INFANTILE POLIODYSTROPHY; Mitochondrial DNA depletion syndrome 4A (Alpers type); ALPERS DIFFUSE DEGENERATION OF CEREBRAL GRAY MATTER WITH HEPATIC CIRRHOSIS; Alpers-Huttenlocher Syndrome. Identifiers: Orphanet 726, MedGen C0205710, MONDO:0008758, OMIM 203700.

Submissions (2):

Labcorp Genetics (formerly Invitae), Labcorp
Classification: Likely benign for Progressive sclerosing poliodystrophy. Last evaluated: 2024-04-16. Review status: criteria provided, single submitter. Criteria: Invitae Variant Classification Sherloc (09022015). Collection method: clinical testing. Allele origin: germline.

Wong Mito Lab, Molecular and Human Genetics, Baylor College of Medicine
Classification: Likely benign for Progressive sclerosing poliodystrophy. Last evaluated: 2018-10-01. Review status: criteria provided, single submitter. Criteria: ACMG Guidelines, 2015. Collection method: clinical testing. Allele origin: germline.
Comment: The NM_002693.2:c.1950-16A>C (NP_002684.1:p.=) [GRCH38: NC_000015.10:g.89324243T>G] variant in POLG gene is interpretated to be a Likely Benign based on ACMG guidelines (PMID: 25741868). This variant meets the following evidence codes reported in the ACMG-guideline. BP4:Computational evidence/predictors indicate no impact on the POLG structure, function, or protein-protein interaction. BP6:Reputable source(s) without shared data suggest the variant is benign. Based on the evidence criteria codes applied, the variant is suggested to be Likely Benign.

NM_002693.3(POLG):c.1950-16A>C

Gene: POLG (DNA polymerase gamma, catalytic subunit; minus strand). Cytogenetic location: 15q26.1.
Variant type: single nucleotide variant.
Coding change: c.1950-16A>C on transcript NM_002693.3 (MANE Select); 16 bases into the intron before coding-DNA position 1950, A replaced by C.
Molecular consequence: intron variant.
Genome position (GRCh38, 1-based): chr15:89,324,243, T>G on the plus strand (A>C on the coding strand, the complement: POLG is on the minus strand). VCF-style: chr15-89324243-T-G. GRCh37 (hg19) VCF-style: chr15-89867474-T-G.
Other names: c.1950-16A>C (NM_001126131.2).
Identifiers: ClinVar variation 619360 (VCV000619360.9), dbSNP rs1310096810, ClinGen allele CA10602311.